The following is an entry in ClinVar:

NM_016148.5(SHANK1):c.5227C>A (p.Pro1743Thr)

Gene: SHANK1 (SH3 and multiple ankyrin repeat domains 1; minus strand). Cytogenetic location: 19q13.33.
Variant type: single nucleotide variant.
Coding change: c.5227C>A on transcript NM_016148.5 (MANE Select); coding-DNA position 5227, C replaced by A.
Protein change: p.Pro1743Thr; replaces proline 1743 with threonine.
Molecular consequence: missense variant.
Genome position (GRCh38, 1-based): chr19:50,666,733, G>T on the plus strand (C>A on the coding strand, the complement: SHANK1 is on the minus strand). VCF-style: chr19-50666733-G-T. GRCh37 (hg19) VCF-style: chr19-51169990-G-T.
Other names: short protein forms P1743T.
Identifiers: ClinVar variation 4886159 (VCV004886159.2).

ClinVar aggregate classification (germline): Uncertain significance (1 of 4 stars; one submission).

Submission:

Dasa
Classification: Uncertain significance. Last evaluated: 2026-04-20. Review status: criteria provided, single submitter. Criteria: DASA Assertion Criteria. Collection method: clinical testing. Allele origin: germline.
Comment: NM_016148.5(SHANK1):c.5227C>A (p.Pro1743Thr) is a missense variant that results in the substitution of proline with threonine. This variant is rare in population databases. Computational prediction algorithms are consistent with a benign effect. The currently available literature and clinical evidence are not sufficient to establish a definitive association between this variant and the reported condition. Therefore, this variant is classified as a variant of uncertain significance.